The following is an entry in ClinVar:

ClinVar aggregate classification (germline): Uncertain significance (1 of 4 stars; one submission).

Conditions:
Lafora disease. Also called: Epilepsy progressive myoclonic 2; Progressive Myoclonus Epilepsy, Lafora Type. Identifiers: Orphanet 501, MedGen C0751783, MONDO:0009697.

gnomAD v4.1: 4 of 1,614,108 alleles (0.00025%); highest among the groups gnomAD compares: Non-Finnish European, 0.00025%; no homozygotes.

Submission:

Labcorp Genetics (formerly Invitae), Labcorp
Classification: Uncertain significance for Lafora disease. Last evaluated: 2021-12-02. Review status: criteria provided, single submitter. Criteria: Invitae Variant Classification Sherloc (09022015). Collection method: clinical testing. Allele origin: germline.
Comment: This variant is present in population databases (no rsID available, gnomAD 0.01%). In summary, the available evidence is currently insufficient to determine the role of this variant in disease. Therefore, it has been classified as a Variant of Uncertain Significance. Algorithms developed to predict the effect of missense changes on protein structure and function output the following: SIFT: "Tolerated"; PolyPhen-2: "Benign"; Align-GVGD: "Class C0". The glutamic acid amino acid residue is found in multiple mammalian species, which suggests that this missense change does not adversely affect protein function. ClinVar contains an entry for this variant (Variation ID: 1042748). This variant has not been reported in the literature in individuals affected with NHLRC1-related conditions. This sequence change replaces aspartic acid, which is acidic and polar, with glutamic acid, which is acidic and polar, at codon 243 of the NHLRC1 protein (p.Asp243Glu).

NM_198586.3(NHLRC1):c.729C>G (p.Asp243Glu)

Gene: NHLRC1 (NHL repeat containing E3 ubiquitin protein ligase 1; minus strand). Cytogenetic location: 6p22.3.
Variant type: single nucleotide variant.
Coding change: c.729C>G on transcript NM_198586.3 (MANE Select); coding-DNA position 729, C replaced by G.
Protein change: p.Asp243Glu; replaces aspartic acid 243 with glutamic acid.
Molecular consequence: missense variant.
Genome position (GRCh38, 1-based): chr6:18,121,878, G>C on the plus strand (C>G on the coding strand, the complement: NHLRC1 is on the minus strand). VCF-style: chr6-18121878-G-C. GRCh37 (hg19) VCF-style: chr6-18122109-G-C.
Other names: short protein forms D243E.
Identifiers: ClinVar variation 1042748 (VCV001042748.10), dbSNP rs146420615, ClinGen allele CA362826352.